The following is an entry in ClinVar:

NM_001244008.2(KIF1A):c.1495A>C (p.Lys499Gln)

Gene: KIF1A (kinesin family member 1A; minus strand). Cytogenetic location: 2q37.3.
Variant type: single nucleotide variant.
Coding change: c.1495A>C on transcript NM_001244008.2 (MANE Select); coding-DNA position 1495, A replaced by C.
Protein change: p.Lys499Gln; replaces lysine 499 with glutamine.
Molecular consequence: missense variant.
Genome position (GRCh38, 1-based): chr2:240,769,135, T>G on the plus strand (A>C on the coding strand, the complement: KIF1A is on the minus strand). VCF-style: chr2-240769135-T-G. GRCh37 (hg19) VCF-style: chr2-241708552-T-G.
Other names: c.1495A>C, p.Lys499Gln (NM_001320705.2, NM_001330289.2, NM_001379638.1); c.1570A>C, p.Lys524Gln (NM_001330290.2, NM_001379631.1, NM_001379634.1 and 2 more transcripts); c.1468A>C, p.Lys490Gln (NM_001379632.1, NM_001379633.1, NM_001379636.1 and 11 more transcripts); c.1543A>C, p.Lys515Gln (NM_001379637.1, NM_001379648.1); short protein forms K490Q, K499Q, K515Q, K524Q.
Identifiers: ClinVar variation 2947811 (VCV002947811.3), dbSNP rs2537817261, ClinGen allele CA351329239.

ClinVar aggregate classification (germline): Uncertain significance (1 of 4 stars; one submission).

Conditions:
Neuropathy, hereditary sensory, type 2C. Also called: KIF1A-Related HSAN2 (HSAN2C); Hereditary sensory and autonomic neuropathy type IIC. Identifiers: Orphanet 970, MedGen C3280168, MONDO:0013634, OMIM 614213.
Hereditary spastic paraplegia 30. Identifiers: Orphanet 101010, MedGen C5235139, MONDO:0012476.
Intellectual disability, autosomal dominant 9 (NESCAVS). Also called: NESCAV SYNDROME; KIF1A-Related Neurodevelopmental Disorder. Identifiers: Orphanet 662367, MedGen C5393830, MONDO:0013656, OMIM 614255.

Submission:

Labcorp Genetics (formerly Invitae), Labcorp
Classification: Uncertain significance for Hereditary spastic paraplegia 30; Neuropathy, hereditary sensory, type 2C; Intellectual disability, autosomal dominant 9. Last evaluated: 2023-05-16. Review status: criteria provided, single submitter. Criteria: Invitae Variant Classification Sherloc (09022015). Collection method: clinical testing. Allele origin: germline.
Comment: In summary, the available evidence is currently insufficient to determine the role of this variant in disease. Therefore, it has been classified as a Variant of Uncertain Significance. An algorithm developed to predict the effect of missense changes on protein structure and function (PolyPhen-2) suggests that this variant is likely to be tolerated. This variant has not been reported in the literature in individuals affected with KIF1A-related conditions. This variant is not present in population databases (gnomAD no frequency). This sequence change replaces lysine, which is basic and polar, with glutamine, which is neutral and polar, at codon 490 of the KIF1A protein (p.Lys490Gln).